The following is an entry in ClinVar:

NM_005188.4(CBL):c.1177A>G (p.Ile393Val)

Gene: CBL (Cbl proto-oncogene; plus strand). Cytogenetic location: 11q23.3.
Variant type: single nucleotide variant.
Coding change: c.1177A>G on transcript NM_005188.4 (MANE Select); coding-DNA position 1177, A replaced by G.
Protein change: p.Ile393Val; replaces isoleucine 393 with valine.
Molecular consequence: missense variant.
Genome position (GRCh38, 1-based): chr11:119,278,247, A>G. VCF-style: chr11-119278247-A-G. GRCh37 (hg19) VCF-style: chr11-119148957-A-G.
Other names: short protein forms I393V.
Identifiers: ClinVar variation 4868277 (VCV004868277.1).

ClinVar aggregate classification (germline): Uncertain significance (1 of 4 stars; one submission).

Conditions:
Cardiovascular phenotype. Identifiers: MedGen CN230736.

Submission:

Ambry Genetics
Classification: Uncertain significance for Cardiovascular phenotype. Last evaluated: 2026-06-02. Review status: criteria provided, single submitter. Criteria: Ambry Variant Classification Scheme 2023. Collection method: clinical testing. Allele origin: germline.
Comment: The p.I393V variant (also known as c.1177A>G), located in coding exon 8 of the CBL gene, results from an A to G substitution at nucleotide position 1177. The isoleucine at codon 393 is replaced by valine, an amino acid with highly similar properties. This amino acid position is conserved. In addition, this alteration is predicted to be deleterious by in silico analysis. Based on the available evidence, the clinical significance of this variant remains unclear.